The following is an entry in ClinVar:

NM_025000.4(DCAF17):c.981+10del

Gene: DCAF17 (DDB1 and CUL4 associated factor 17; plus strand). Cytogenetic location: 2q31.1.
Variant type: Deletion.
Coding change: c.981+10del on transcript NM_025000.4 (MANE Select); 10 bases into the intron after coding-DNA position 981, one base deleted (T; older notation c.981+10delT).
Molecular consequence: intron variant.
Genome position (GRCh38, 1-based): chr2:171,469,040, T deleted. VCF-style (leftmost placement, unchanged base first): chr2-171469039-GT-G. GRCh37 (hg19) VCF-style: chr2-172325549-GT-G.
Other names: c.981+10del (NM_001164821.2).
Identifiers: ClinVar variation 695583 (VCV000695583.9), dbSNP rs760680285, ClinGen allele CA1964832.
Genomic context (GRCh38, chr2:171,469,039, plus strand): 5'-GAAGAAACAGAAAGGAGTTTTCCATATTTGTGCCCTAAAAGACAATTCCCTGGTAAATGA[GT>G]GATCAGACTTTTTATTAGCAAATTTGTATCAAGTTCTTTATTTTCTACCTCTCAAATAGG-3'

ClinVar aggregate classification (germline): Likely benign. Review status: criteria provided, single submitter (1 of 4 stars). 2 submissions from 2 submitters: Likely benign (1). 1 of the submissions does not count toward it. Last evaluated 2024-08-31.

Conditions:
Woodhouse-Sakati syndrome. Also called: EXTRAPYRAMIDAL DISORDER, PROGRESSIVE, WITH PRIMARY HYPOGONADISM, MENTAL RETARDATION, AND ALOPECIA; Hypogonadism, diabetes mellitus, alopecia, mental retardation and electrocardiographic abnormalities; Hypogonadism, Alopecia, Diabetes Mellitus, Mental Retardation, and Extrapyramidal Syndrome. Identifiers: Orphanet 3464, MedGen C0342286, MONDO:0009419, OMIM 241080.
DCAF17-related disorder. Also called: DCAF17-related condition.

Allele frequency attached by ClinVar (database versions not stated): gnomAD exomes 0.00002 and 0.00004; gnomAD 0.00004 and 0.00005; ExAC 0.00005; TOPMed 0.00005.

Submissions (2):

Labcorp Genetics (formerly Invitae), Labcorp
Classification: Likely benign for Woodhouse-Sakati syndrome. Last evaluated: 2024-08-31. Review status: criteria provided, single submitter. Criteria: Invitae Variant Classification Sherloc (09022015). Collection method: clinical testing. Allele origin: germline.

PreventionGenetics, part of Exact Sciences
Classification: Likely benign for DCAF17-related condition. Last evaluated: 2019-03-29. Review status: no assertion criteria provided. Collection method: clinical testing. Allele origin: germline. Not counted in ClinVar's aggregate classification.
Comment: This variant is classified as likely benign based on ACMG/AMP sequence variant interpretation guidelines (Richards et al. 2015 PMID: 25741868, with internal and published modifications).